The following is an entry in ClinVar:

NM_006030.4(CACNA2D2):c.2354G>A (p.Arg785His)

Genes: CACNA2D2 (calcium voltage-gated channel auxiliary subunit alpha2delta 2; minus strand), LOC127898564 (CYB561D2-LOC101928965; plus strand), LOC101928965 (uncharacterized LOC101928965; plus strand). Cytogenetic location: 3p21.31.
Variant type: single nucleotide variant.
Coding change: c.2354G>A on transcript NM_006030.4 (MANE Select); coding-DNA position 2354, G replaced by A.
Protein change: p.Arg785His; replaces arginine 785 with histidine.
Molecular consequence: missense variant.
Genome position (GRCh38, 1-based): chr3:50,367,441, C>T on the plus strand (G>A on the coding strand, the complement: CACNA2D2 is on the minus strand). VCF-style: chr3-50367441-C-T. GRCh37 (hg19) VCF-style: chr3-50404872-C-T.
Other names: c.2354G>A, p.Arg785His (NM_001005505.3); c.2375G>A, p.Arg792His (NM_001174051.3); c.2147G>A, p.Arg716His (NM_001291101.1); c.2375G>A (NM_001174051.1); short protein forms R792H, R785H, R716H.
Identifiers: ClinVar variation 1460492 (VCV001460492.8), dbSNP rs1011668282, ClinGen allele CA74607855.
Genomic context (GRCh38, chr3:50,367,441, plus strand): 5'-CGGGGACACTCACCATCCTGGTGTGGGGGCTTGAAGACATAACCGTGGTTATCCAGGCTG[C>T]GGCGGTAGAAGCTGGCATTGAAGGGCTCAGGGTTCTCTGTCCAGTCCTCAGCTGCCCTGG-3'
Protein context (NP_006021.2, residues 775-795): PEPFNASFYR[Arg785His]SLDNHGYVFK

ClinVar aggregate classification (germline): Uncertain significance. Review status: criteria provided, multiple submitters, no conflicts (2 of 4 stars). 2 submissions from 2 submitters: Uncertain significance (2). Last evaluated 2023-01-10.

Conditions:
Developmental and epileptic encephalopathy. Identifiers: MedGen C5779964, MONDO:0100620.
Inborn genetic diseases. Identifiers: MedGen C0950123, MeSH D030342.

Allele frequency attached by ClinVar (database versions not stated): gnomAD exomes below 0.00001 and 0.00001; gnomAD 0.00001.
gnomAD v4.1: 4 of 1,613,766 alleles (0.00025%); highest among the groups gnomAD compares: African/African-American, 0.0013%; no homozygotes.

Submissions (2):

Ambry Genetics
Classification: Uncertain significance for Inborn genetic diseases. Last evaluated: 2023-01-10. Review status: criteria provided, single submitter. Criteria: Ambry Variant Classification Scheme 2023. Collection method: clinical testing. Allele origin: germline.

Labcorp Genetics (formerly Invitae), Labcorp
Classification: Uncertain significance for Early-infantile DEE. Last evaluated: 2021-09-24. Review status: criteria provided, single submitter. Criteria: Invitae Variant Classification Sherloc (09022015). Collection method: clinical testing. Allele origin: germline.
Comment: This sequence change replaces arginine with histidine at codon 785 of the CACNA2D2 protein (p.Arg785His). The arginine residue is highly conserved and there is a small physicochemical difference between arginine and histidine. This variant is not present in population databases (ExAC no frequency). This variant has not been reported in the literature in individuals with CACNA2D2-related conditions. Algorithms developed to predict the effect of missense changes on protein structure and function (SIFT, PolyPhen-2, Align-GVGD) all suggest that this variant is likely to be disruptive, but these predictions have not been confirmed by published functional studies and their clinical significance is uncertain. In summary, the available evidence is currently insufficient to determine the role of this variant in disease. Therefore, it has been classified as a Variant of Uncertain Significance.